The following is an entry in ClinVar:

NM_000878.5(IL2RB):c.1531_1540del (p.Phe511fs)

Gene: IL2RB (interleukin 2 receptor subunit beta; minus strand). Cytogenetic location: 22q12.3.
Variant type: Deletion.
Coding change: c.1531_1540del on transcript NM_000878.5 (MANE Select); coding-DNA positions 1531 to 1540, 10 bases deleted (TTCCCCTGGT; older notation c.1531_1540delTTCCCCTGGT).
Protein change: p.Phe511fs; shifts the reading frame from phenylalanine 511.
Molecular consequence: frameshift variant.
Genome position (GRCh38, 1-based): chr22:37,128,212-37,128,221, ACCAGGGGAA deleted on the plus strand (TTCCCCTGGT on the coding strand, the reverse complement: IL2RB is on the minus strand); deleting any 10 consecutive bases within chr22:37,128,212-37,128,223 gives the same sequence; the c. name uses the placement nearest the transcript's 3' end. VCF-style (leftmost placement, unchanged base first): chr22-37128211-GACCAGGGGAA-G. GRCh37 (hg19) VCF-style: chr22-37524251-GACCAGGGGAA-G.
Other names: c.1531_1540del, p.Phe511fs (NM_001346222.1, NM_001346223.2); short protein forms F511fs.
Identifiers: ClinVar variation 1356854 (VCV001356854.6), dbSNP rs2146223130, ClinGen allele CA2573158125.

ClinVar aggregate classification (germline): Uncertain significance (1 of 4 stars; one submission).

Submission:

Labcorp Genetics (formerly Invitae), Labcorp
Classification: Uncertain significance. Last evaluated: 2024-02-17. Review status: criteria provided, single submitter. Criteria: Invitae Variant Classification Sherloc (09022015). Collection method: clinical testing. Allele origin: germline.
Comment: This sequence change creates a premature translational stop signal (p.Phe511Profs*18) in the IL2RB gene. While this is not anticipated to result in nonsense mediated decay, it is expected to disrupt the last 41 amino acid(s) of the IL2RB protein. This variant is not present in population databases (gnomAD no frequency). This variant has not been reported in the literature in individuals affected with IL2RB-related conditions. ClinVar contains an entry for this variant (Variation ID: 1356854). Experimental studies and prediction algorithms are not available or were not evaluated, and the functional significance of this variant is currently unknown. In summary, the available evidence is currently insufficient to determine the role of this variant in disease. Therefore, it has been classified as a Variant of Uncertain Significance.